The following is an entry in ClinVar:

ClinVar aggregate classification (germline): Uncertain significance (1 of 4 stars; one submission).

Allele frequency attached by ClinVar (database versions not stated): gnomAD 0.00002; gnomAD exomes 0.00003; ExAC 0.00005.

Submission:

Labcorp Genetics (formerly Invitae), Labcorp
Classification: Uncertain significance. Last evaluated: 2025-09-02. Review status: criteria provided, single submitter. Criteria: Invitae Variant Classification Sherloc (09022015). Collection method: clinical testing. Allele origin: germline.
Comment: This sequence change replaces serine, which is neutral and polar, with asparagine, which is neutral and polar, at codon 260 of the NRIP1 protein (p.Ser260Asn). This variant is present in population databases (rs764257702, gnomAD 0.03%). This variant has not been reported in the literature in individuals affected with NRIP1-related conditions. ClinVar contains an entry for this variant (Variation ID: 2415883). An algorithm developed to predict the effect of missense changes on protein structure and function (PolyPhen-2) suggests that this variant is likely to be disruptive. In summary, the available evidence is currently insufficient to determine the role of this variant in disease. Therefore, it has been classified as a Variant of Uncertain Significance.

NM_003489.4(NRIP1):c.779G>A (p.Ser260Asn)

Gene: NRIP1 (nuclear receptor interacting protein 1; minus strand). Cytogenetic location: 21q11.2.
Variant type: single nucleotide variant.
Coding change: c.779G>A on transcript NM_003489.4 (MANE Select); coding-DNA position 779, G replaced by A.
Protein change: p.Ser260Asn; replaces serine 260 with asparagine.
Molecular consequence: missense variant.
Genome position (GRCh38, 1-based): chr21:14,967,414, C>T on the plus strand (G>A on the coding strand, the complement: NRIP1 is on the minus strand). VCF-style: chr21-14967414-C-T. GRCh37 (hg19) VCF-style: chr21-16339735-C-T.
Other names: short protein forms S260N.
Identifiers: ClinVar variation 2415883 (VCV002415883.6), dbSNP rs764257702, ClinGen allele CA9981440.
Genomic context (GRCh38, chr21:14,967,414, plus strand): 5'-GAATACTGCTGCAAATGGGCTTCGCTTGACAGAAGTAATGCTAACTGGCTACAAGCAACA[C>T]TAGGTTTAGGTGAGGTGGCAGGACTAGCCCTTTTTTCCACCATGCTTGCAACAGCCTGTA-3'
Protein context (NP_003480.2, residues 250-270): RASPATSPKP[Ser260Asn]VACSQLALLL